The following is an entry in ClinVar:

NM_014141.6(CNTNAP2):c.3562G>A (p.Ala1188Thr)

Gene: CNTNAP2 (contactin associated protein 2; plus strand). Cytogenetic location: 7q36.1.
Variant type: single nucleotide variant.
Coding change: c.3562G>A on transcript NM_014141.6 (MANE Select); coding-DNA position 3562, G replaced by A.
Protein change: p.Ala1188Thr; replaces alanine 1188 with threonine.
Molecular consequence: missense variant.
Genome position (GRCh38, 1-based): chr7:148,383,735, G>A. VCF-style: chr7-148383735-G-A. GRCh37 (hg19) VCF-style: chr7-148080827-G-A.
Other names: short protein forms A1188T.
Identifiers: ClinVar variation 205287 (VCV000205287.7), dbSNP rs571404876, ClinGen allele CA314208.

ClinVar aggregate classification (germline): Uncertain significance (1 of 4 stars; one submission).

Conditions:
Cortical dysplasia-focal epilepsy syndrome (PTHSL1). Also called: Pitt-Hopkins-like syndrome 1. Identifiers: Orphanet 163681, Orphanet 221150, MedGen C2750246, MONDO:0012400, OMIM 610042.

Allele frequency attached by ClinVar (database versions not stated): ExAC 0.00002; TOPMed 0.00002; gnomAD 0.00003; gnomAD exomes 0.00004; 1000 Genomes Project 30x 0.00016; 1000 Genomes Project 0.00020.
gnomAD v4.1: 40 of 1,614,094 alleles (0.0025%); highest among the groups gnomAD compares: Admixed American, 0.0083%; no homozygotes.

Submission:

Labcorp Genetics (formerly Invitae), Labcorp
Classification: Uncertain significance for Cortical dysplasia-focal epilepsy syndrome. Last evaluated: 2022-07-05. Review status: criteria provided, single submitter. Criteria: Invitae Variant Classification Sherloc (09022015). Collection method: clinical testing. Allele origin: germline.
Comment: This sequence change replaces alanine, which is neutral and non-polar, with threonine, which is neutral and polar, at codon 1188 of the CNTNAP2 protein (p.Ala1188Thr). This variant is present in population databases (rs571404876, gnomAD 0.01%). This variant has not been reported in the literature in individuals affected with CNTNAP2-related conditions. ClinVar contains an entry for this variant (Variation ID: 205287). Algorithms developed to predict the effect of missense changes on protein structure and function are either unavailable or do not agree on the potential impact of this missense change (SIFT: "Deleterious"; PolyPhen-2: "Benign"; Align-GVGD: "Class C0"). In summary, the available evidence is currently insufficient to determine the role of this variant in disease. Therefore, it has been classified as a Variant of Uncertain Significance.